The following is an entry in ClinVar:

NM_020631.6(PLEKHG5):c.117G>C (p.Glu39Asp)

Gene: PLEKHG5 (pleckstrin homology and RhoGEF domain containing G5; minus strand). Cytogenetic location: 1p36.31.
Variant type: single nucleotide variant.
Coding change: c.117G>C on transcript NM_020631.6 (MANE Select); coding-DNA position 117, G replaced by C.
Protein change: p.Glu39Asp; replaces glutamic acid 39 with aspartic acid.
Molecular consequence: missense variant.
Genome position (GRCh38, 1-based): chr1:6,475,963, C>G on the plus strand (G>C on the coding strand, the complement: PLEKHG5 is on the minus strand). VCF-style: chr1-6475963-C-G. GRCh37 (hg19) VCF-style: chr1-6536023-C-G.
Other names: c.228G>C, p.Glu76Asp (NM_001042663.3, NM_001265592.2); c.117G>C, p.Glu39Asp (NM_001042664.2, NM_001042665.2, NM_001265594.3 and 1 more transcripts); c.324G>C, p.Glu108Asp (NM_001265593.2); short protein forms E76D, E108D, E39D.
Identifiers: ClinVar variation 1741874 (VCV001741874.2), dbSNP rs377673289, ClinGen allele CA561986.
Genomic context (GRCh38, chr1:6,475,963, plus strand): 5'-TCTCTCTGCCCACTCATCCCTCACCTACCCTTTGCCATCCACAGAGCTCTCCTCCTCCTC[C>G]TCCTCCAAGTCCACTGCGGGGCTGGTGCGCGGCGGGCATGACCGGGTGGACACGTTCCGG-3'
Protein context (NP_065682.2, residues 29-49): PRTSPAVDLE[Glu39Asp]EEEESSVDGK

ClinVar aggregate classification (germline): Uncertain significance (1 of 4 stars; one submission).

Conditions:
Inborn genetic diseases. Identifiers: MedGen C0950123, MeSH D030342.

Allele frequency attached by ClinVar (database versions not stated): gnomAD 0.00003; TOPMed 0.00003; ESP Exome Variant Server 0.00008.

Submission:

Ambry Genetics
Classification: Uncertain significance for Inborn genetic diseases. Last evaluated: 2022-09-16. Review status: criteria provided, single submitter. Criteria: Ambry Variant Classification Scheme 2023. Collection method: clinical testing. Allele origin: germline.
Comment: The p.E39D variant (also known as c.117G>C), located in coding exon 2 of the PLEKHG5 gene, results from a G to C substitution at nucleotide position 117. The glutamic acid at codon 39 is replaced by aspartic acid, an amino acid with highly similar properties. This amino acid position is highly conserved in available vertebrate species. In addition, this alteration is predicted to be tolerated by in silico analysis. Since supporting evidence is limited at this time, the clinical significance of this alteration remains unclear.